The following is an entry in ClinVar:

NM_004990.4(MARS1):c.280C>T (p.Pro94Ser)

Gene: MARS1 (methionyl-tRNA synthetase 1; plus strand). Cytogenetic location: 12q13.3.
Variant type: single nucleotide variant.
Coding change: c.280C>T on transcript NM_004990.4 (MANE Select); coding-DNA position 280, C replaced by T.
Protein change: p.Pro94Ser; replaces proline 94 with serine.
Molecular consequence: missense variant.
Genome position (GRCh38, 1-based): chr12:57,489,424, C>T. VCF-style: chr12-57489424-C-T. GRCh37 (hg19) VCF-style: chr12-57883207-C-T.
Other names: short protein forms P94S.
Identifiers: ClinVar variation 2931561 (VCV002931561.3), dbSNP rs748101663, ClinGen allele CA6650130.
Genomic context (GRCh38, chr12:57,489,424, plus strand): 5'-GGATGTCAGGCAGGCCCTTGTTCTGCGTGGCCATCCTGACTCATGTCCCCTGCATTTTAG[C>T]CAGCTTTGTCTGCTGCCCTGTACTATTTAGTGGTCCAAGGCAAGAAGGGGGAAGATGTTC-3'
Protein context (NP_004981.2, residues 84-104): WLEWEATELQ[Pro94Ser]ALSAALYYLV

ClinVar aggregate classification (germline): Uncertain significance (1 of 4 stars; one submission).

Conditions:
Severe early-onset pulmonary alveolar proteinosis due to MARS deficiency. Also called: PULMONARY ALVEOLAR PROTEINOSIS, REUNION ISLAND; Interstitial lung and liver disease. Identifiers: Orphanet 440427, MedGen C4225400, MONDO:0014206, OMIM 615486.
Charcot-Marie-Tooth disease axonal type 2U. Also called: CHARCOT-MARIE-TOOTH NEUROPATHY, TYPE 2U; CHARCOT-MARIE-TOOTH DISEASE, AXONAL, AUTOSOMAL DOMINANT, TYPE 2U. Identifiers: Orphanet 397735, MedGen C4084821, MONDO:0014566, OMIM 616280.

Allele frequency attached by ClinVar (database versions not stated): gnomAD exomes below 0.00001; ExAC 0.00001.
gnomAD v4.1: 1 of 1,614,158 alleles (0.000062%); highest among the groups gnomAD compares: South Asian, 0.0011%; no homozygotes.

Submission:

Labcorp Genetics (formerly Invitae), Labcorp
Classification: Uncertain significance for Charcot-Marie-Tooth disease axonal type 2U; Severe early-onset pulmonary alveolar proteinosis due to MARS deficiency. Last evaluated: 2023-04-20. Review status: criteria provided, single submitter. Criteria: Invitae Variant Classification Sherloc (09022015). Collection method: clinical testing. Allele origin: germline.
Comment: In summary, the available evidence is currently insufficient to determine the role of this variant in disease. Therefore, it has been classified as a Variant of Uncertain Significance. An algorithm developed to predict the effect of missense changes on protein structure and function (PolyPhen-2) suggests that this variant is likely to be disruptive. This variant has not been reported in the literature in individuals affected with MARS-related conditions. This variant is present in population databases (rs748101663, gnomAD 0.003%). This sequence change replaces proline, which is neutral and non-polar, with serine, which is neutral and polar, at codon 94 of the MARS protein (p.Pro94Ser).